The following is an entry in ClinVar:

NM_004525.3(LRP2):c.9811G>A (p.Ala3271Thr)

Gene: LRP2 (LDL receptor related protein 2; minus strand). Cytogenetic location: 2q31.1.
Variant type: single nucleotide variant.
Coding change: c.9811G>A on transcript NM_004525.3 (MANE Select); coding-DNA position 9811, G replaced by A.
Protein change: p.Ala3271Thr; replaces alanine 3271 with threonine.
Molecular consequence: missense variant.
Genome position (GRCh38, 1-based): chr2:169,185,537, C>T on the plus strand (G>A on the coding strand, the complement: LRP2 is on the minus strand). VCF-style: chr2-169185537-C-T. GRCh37 (hg19) VCF-style: chr2-170042047-C-T.
Other names: c.9811G>A (NM_004525.2); short protein forms A3271T.
Identifiers: ClinVar variation 1409744 (VCV001409744.7), dbSNP rs1051668841, ClinGen allele CA59916833.

ClinVar aggregate classification (germline): Uncertain significance. Review status: criteria provided, multiple submitters, no conflicts (2 of 4 stars). 3 submissions from 3 submitters: Uncertain significance (3). Last evaluated 2025-10-06.

Conditions:
Inborn genetic diseases. Identifiers: MedGen C0950123, MeSH D030342.
Donnai-Barrow syndrome. Also called: DBS/FOAR SYNDROME; FACIOOCULOACOUSTICORENAL SYNDROME. Identifiers: Orphanet 2143, MedGen C1857277, MONDO:0009104, OMIM 222448.

Allele frequency attached by ClinVar (database versions not stated): gnomAD exomes below 0.00001; TOPMed 0.00007; gnomAD 0.00008 and 0.00009.
gnomAD v4.1: 19 of 1,613,634 alleles (0.0012%); highest among the groups gnomAD compares: African/African-American, 0.023%; no homozygotes.

Submissions (3):

Ambry Genetics
Classification: Uncertain significance for Inborn genetic diseases. Last evaluated: 2025-10-06. Review status: criteria provided, single submitter. Criteria: Ambry Variant Classification Scheme 2023. Collection method: clinical testing. Allele origin: germline.

Labcorp Genetics (formerly Invitae), Labcorp
Classification: Uncertain significance. Last evaluated: 2025-04-27. Review status: criteria provided, single submitter. Criteria: Invitae Variant Classification Sherloc (09022015). Collection method: clinical testing. Allele origin: germline.
Comment: This sequence change replaces alanine, which is neutral and non-polar, with threonine, which is neutral and polar, at codon 3271 of the LRP2 protein (p.Ala3271Thr). This variant is present in population databases (no rsID available, gnomAD 0.008%). This variant has not been reported in the literature in individuals affected with LRP2-related conditions. ClinVar contains an entry for this variant (Variation ID: 1409744). Invitae Evidence Modeling of protein sequence and biophysical properties (such as structural, functional, and spatial information, amino acid conservation, physicochemical variation, residue mobility, and thermodynamic stability) indicates that this missense variant is not expected to disrupt LRP2 protein function with a negative predictive value of 95%. In summary, the available evidence is currently insufficient to determine the role of this variant in disease. Therefore, it has been classified as a Variant of Uncertain Significance.

Fulgent Genetics
Classification: Uncertain significance for Donnai-Barrow syndrome. Last evaluated: 2022-02-03. Review status: criteria provided, single submitter. Criteria: ACMG Guidelines, 2015. Collection method: clinical testing. Allele origin: unknown.